The following is an entry in ClinVar:

NM_001105206.3(LAMA4):c.1077+64C>T

Gene: LAMA4 (laminin subunit alpha 4; minus strand). Cytogenetic location: 6q21.
Variant type: single nucleotide variant.
Coding change: c.1077+64C>T on transcript NM_001105206.3 (MANE Select); 64 bases into the intron after coding-DNA position 1077, C replaced by T.
Molecular consequence: intron variant.
Genome position (GRCh38, 1-based): chr6:112,185,173, G>A on the plus strand (C>T on the coding strand, the complement: LAMA4 is on the minus strand). VCF-style: chr6-112185173-G-A. GRCh37 (hg19) VCF-style: chr6-112506375-G-A.
Other names: c.1056+64C>T (NM_002290.5, NM_001105207.3).
Identifiers: ClinVar variation 673010 (VCV000673010.1), dbSNP rs9374309, ClinGen allele CA12277418.
Genomic context (GRCh38, chr6:112,185,173, plus strand): 5'-CACATGGGTCACTGCATTTTTTCTGGGCTGTGTTAAGCCTCAGTCGTTTGTGACCAGCCA[G>A]CCTCACATCAGCTAAATCCTTTCTTTGAAGGCTGTCCCAGAAACTGAATACATACATACG-3'

ClinVar aggregate classification (germline): Benign (1 of 4 stars; one submission).

Allele frequency attached by ClinVar (database versions not stated): gnomAD 0.38321 and 0.39093; TOPMed 0.39638; 1000 Genomes Project 30x 0.40865; 1000 Genomes Project 0.41693.
gnomAD v4.1: 498,833 of 1,080,160 alleles (46%); highest among the groups gnomAD compares: Admixed American, 57%; 119,723 homozygotes.

Submission:

GeneDx
Classification: Benign. Last evaluated: 2018-06-14. Review status: criteria provided, single submitter. Criteria: GeneDx Variant Classification (06012015). Collection method: clinical testing. Allele origin: germline. Affected: yes.
Comment: This variant is considered likely benign or benign based on one or more of the following criteria: it is a conservative change, it occurs at a poorly conserved position in the protein, it is predicted to be benign by multiple in silico algorithms, and/or has population frequency not consistent with disease.